The following is an entry in ClinVar:

ClinVar aggregate classification (germline): Uncertain significance (1 of 4 stars; one submission).

Submission:

Labcorp Genetics (formerly Invitae), Labcorp
Classification: Uncertain significance. Last evaluated: 2022-08-16. Review status: criteria provided, single submitter. Criteria: Invitae Variant Classification Sherloc (09022015). Collection method: clinical testing. Allele origin: germline.
Comment: This variant results in a copy number gain of the genomic region encompassing exon(s) 3-4 of the RCBTB1 gene. This region includes the initiator codon of the gene. This copy number gain extends beyond the assayed region for this gene and therefore may encompass additional genes. As the precise location of this event is unknown, it may be in tandem or it may be located elsewhere in the genome. This variant has not been reported in the literature in individuals affected with RCBTB1-related conditions. In summary, the available evidence is currently insufficient to determine the role of this variant in disease. Therefore, it has been classified as a Variant of Uncertain Significance.

NC_000013.10:g.(?_50140734)_(50141415_?)dup

Gene: RCBTB1 (RCC1 and BTB domain containing protein 1; minus strand). Cytogenetic location: 13q14.2.
Variant type: Duplication.
Identifiers: ClinVar variation 2426454 (VCV002426454.3).